The following is an entry in ClinVar:

ClinVar aggregate classification (germline): Benign (1 of 4 stars; one submission).

Allele frequency attached by ClinVar (database versions not stated): 1000 Genomes Project 0.24221; 1000 Genomes Project 30x 0.24641; TOPMed 0.31733; gnomAD 0.32197 and 0.32343.
gnomAD v4.1: 583,916 of 1,537,064 alleles (38%); highest among the groups gnomAD compares: Admixed American, 45%; 115,546 homozygotes.

Submission:

GeneDx
Classification: Benign. Last evaluated: 2018-06-14. Review status: criteria provided, single submitter. Criteria: GeneDx Variant Classification (06012015). Collection method: clinical testing. Allele origin: germline. Affected: yes.
Comment: This variant is considered likely benign or benign based on one or more of the following criteria: it is a conservative change, it occurs at a poorly conserved position in the protein, it is predicted to be benign by multiple in silico algorithms, and/or has population frequency not consistent with disease.

NM_182961.4(SYNE1):c.12352-64T>C

Gene: SYNE1 (spectrin repeat containing nuclear envelope protein 1; minus strand). Cytogenetic location: 6q25.2.
Variant type: single nucleotide variant.
Coding change: c.12352-64T>C on transcript NM_182961.4 (MANE Select); 64 bases into the intron before coding-DNA position 12352, T replaced by C.
Molecular consequence: intron variant.
Genome position (GRCh38, 1-based): chr6:152,337,081, A>G on the plus strand (T>C on the coding strand, the complement: SYNE1 is on the minus strand). VCF-style: chr6-152337081-A-G. GRCh37 (hg19) VCF-style: chr6-152658216-A-G.
Other names: c.12139-64T>C (NM_033071.5).
Identifiers: ClinVar variation 670177 (VCV000670177.1), dbSNP rs9479299, ClinGen allele CA12345077.